The following is an entry in ClinVar:

ClinVar aggregate classification (germline): Uncertain significance. Review status: criteria provided, single submitter (1 of 4 stars). 2 submissions from 2 submitters: Uncertain significance (1). 1 of the submissions does not count toward it. Last evaluated 2022-07-11.

Conditions:
Retinal dystrophy. Also called: Inherited retinal dystrophy. Identifiers: Orphanet 71862, MedGen C0854723, MeSH D058499, MONDO:0019118, HP:0000556.

Allele frequency attached by ClinVar (database versions not stated): gnomAD exomes below 0.00001; TOPMed below 0.00001; gnomAD 0.00001.
gnomAD v4.1: 6 of 1,605,420 alleles (0.00037%); highest among the groups gnomAD compares: Non-Finnish European, 0.00051%; no homozygotes.

Submissions (2):

Labcorp Genetics (formerly Invitae), Labcorp
Classification: Uncertain significance. Last evaluated: 2022-07-11. Review status: criteria provided, single submitter. Criteria: Invitae Variant Classification Sherloc (09022015). Collection method: clinical testing. Allele origin: germline.
Comment: ClinVar contains an entry for this variant (Variation ID: 1511948). In summary, the available evidence is currently insufficient to determine the role of this variant in disease. Therefore, it has been classified as a Variant of Uncertain Significance. Algorithms developed to predict the effect of sequence changes on RNA splicing suggest that this variant may create or strengthen a splice site. Algorithms developed to predict the effect of missense changes on protein structure and function are either unavailable or do not agree on the potential impact of this missense change (SIFT: "Deleterious"; PolyPhen-2: "Probably Damaging"; Align-GVGD: "Class C15"). This variant has not been reported in the literature in individuals affected with RCBTB1-related conditions. This variant is present in population databases (no rsID available, gnomAD 0.0009%). This sequence change replaces glycine, which is neutral and non-polar, with arginine, which is basic and polar, at codon 47 of the RCBTB1 protein (p.Gly47Arg).

Institute of Human Genetics, Univ. Regensburg, Univ. Regensburg
Classification: Uncertain significance for Retinal dystrophy. Last evaluated: 2022-01-01. Review status: no assertion criteria provided. Criteria: ACMG Guidelines, 2015. Collection method: clinical testing. Allele origin: germline. Affected: yes. Not counted in ClinVar's aggregate classification.

NM_018191.4(RCBTB1):c.139G>A (p.Gly47Arg)

Gene: RCBTB1 (RCC1 and BTB domain containing protein 1; minus strand). Cytogenetic location: 13q14.2.
Variant type: single nucleotide variant.
Coding change: c.139G>A on transcript NM_018191.4 (MANE Select); coding-DNA position 139, G replaced by A.
Protein change: p.Gly47Arg; replaces glycine 47 with arginine.
Molecular consequence: missense variant. On other transcripts: 5 prime UTR variant (1), non-coding transcript variant (2).
Genome position (GRCh38, 1-based): chr13:49,566,756, C>T on the plus strand (G>A on the coding strand, the complement: RCBTB1 is on the minus strand). VCF-style: chr13-49566756-C-T. GRCh37 (hg19) VCF-style: chr13-50140892-C-T.
Other names: c.139G>A, p.Gly47Arg (NM_001352500.2, NM_001352501.2, NM_001352502.2 and 3 more transcripts); c.-471G>A (NM_001352506.2); short protein forms G47R.
Identifiers: ClinVar variation 1511948 (VCV001511948.9), dbSNP rs1344848137, ClinGen allele CA388195860.